The following is an entry in ClinVar:

ClinVar aggregate classification (germline): Likely benign. Review status: criteria provided, multiple submitters, no conflicts (2 of 4 stars). 4 submissions from 4 submitters: Likely benign (4). Last evaluated 2025-01-21.

Conditions:
Hereditary cancer-predisposing syndrome. Also called: Hereditary neoplastic syndrome; Hereditary Cancer Syndrome; Neoplastic Syndromes, Hereditary; Tumor predisposition. Identifiers: Orphanet 140162, MedGen C0027672, MeSH D009386, MONDO:0015356.
Familial cancer of breast. Also called: hereditary breast carcinoma; BREAST CANCER, FAMILIAL; Hereditary breast cancer. Identifiers: Orphanet 227535, MedGen C0346153, MONDO:0016419, OMIM 114480. Disease mechanism: loss of function.

Allele frequency attached by ClinVar (database versions not stated): TOPMed below 0.00001; ExAC 0.00001.
gnomAD v4.1: 2 of 1,521,596 alleles (0.00013%); highest among the groups gnomAD compares: East Asian, 0.0023%; no homozygotes.

Submissions (4):

Myriad Genetics, Inc.
Classification: Likely benign for Familial cancer of breast. Last evaluated: 2025-01-21. Review status: criteria provided, single submitter. Criteria: Myriad Autosomal Dominant, Autosomal Recessive and X-Linked Classification Criteria (2023). Collection method: clinical testing. Allele origin: unknown.
Comment: This variant is considered likely benign. This variant is intronic and is not expected to impact mRNA splicing.

Labcorp Genetics (formerly Invitae), Labcorp
Classification: Likely benign for Familial cancer of breast. Last evaluated: 2024-12-08. Review status: criteria provided, single submitter. Criteria: Invitae Variant Classification Sherloc (09022015). Collection method: clinical testing. Allele origin: germline.

Color Diagnostics, LLC DBA Color Health
Classification: Likely benign for Hereditary cancer-predisposing syndrome. Last evaluated: 2019-03-18. Review status: criteria provided, single submitter. Criteria: ACMG Guidelines, 2015. Collection method: clinical testing. Allele origin: germline.

GeneDx
Classification: Likely benign. Last evaluated: 2017-03-20. Review status: criteria provided, single submitter. Criteria: GeneDx Variant Classification (06012015). Collection method: clinical testing. Allele origin: germline. Affected: yes.
Comment: This variant is considered likely benign or benign based on one or more of the following criteria: it is a conservative change, it occurs at a poorly conserved position in the protein, it is predicted to be benign by multiple in silico algorithms, and/or has population frequency not consistent with disease.

NM_024675.4(PALB2):c.2997-18A>C

Gene: PALB2 (partner and localizer of BRCA2; minus strand). Cytogenetic location: 16p12.2.
Variant type: single nucleotide variant.
Coding change: c.2997-18A>C on transcript NM_024675.4 (MANE Select); 18 bases into the intron before coding-DNA position 2997, A replaced by C.
Molecular consequence: intron variant.
Genome position (GRCh38, 1-based): chr16:23,621,496, T>G on the plus strand (A>C on the coding strand, the complement: PALB2 is on the minus strand). VCF-style: chr16-23621496-T-G. GRCh37 (hg19) VCF-style: chr16-23632817-T-G.
Identifiers: ClinVar variation 508253 (VCV000508253.9), dbSNP rs750052146, ClinGen allele CA7963448.